The following is an entry in ClinVar:

NM_001111125.3(IQSEC2):c.122G>A (p.Arg41Gln)

Gene: IQSEC2 (IQ motif and Sec7 domain ArfGEF 2; minus strand). Cytogenetic location: Xp11.22.
Variant type: single nucleotide variant.
Coding change: c.122G>A on transcript NM_001111125.3 (MANE Select); coding-DNA position 122, G replaced by A.
Protein change: p.Arg41Gln; replaces arginine 41 with glutamine.
Molecular consequence: missense variant.
Genome position (GRCh38, 1-based): chrX:53,321,002, C>T on the plus strand (G>A on the coding strand, the complement: IQSEC2 is on the minus strand). VCF-style: chrX-53321002-C-T. GRCh37 (hg19) VCF-style: chrX-53350200-C-T.
Other names: c.122G>A, p.Arg41Gln (NM_001410736.1); short protein forms R41Q.
Identifiers: ClinVar variation 3032952 (VCV003032952.2), dbSNP rs2520610296, ClinGen allele CA413240060.

ClinVar aggregate classification (germline): Uncertain significance (0 of 4 stars; one submission).

Conditions:
IQSEC2-related disorder. Also called: IQSEC2-related condition.

Allele frequency attached by ClinVar (database versions not stated): gnomAD exomes below 0.00001.
gnomAD v4.1: 2 of 1,158,015 alleles (0.00017%); highest among the groups gnomAD compares: South Asian, 0.0038%; no homozygotes.

Submission:

PreventionGenetics, part of Exact Sciences
Classification: Uncertain significance for IQSEC2-related condition. Last evaluated: 2024-01-23. Review status: no assertion criteria provided. Collection method: clinical testing. Allele origin: germline.
Comment: The IQSEC2 c.122G>A variant is predicted to result in the amino acid substitution p.Arg41Gln. To our knowledge, this variant has not been reported in the literature or in a large population database, indicating this variant is rare. At this time, the clinical significance of this variant is uncertain due to the absence of conclusive functional and genetic evidence.